The following is an entry in ClinVar:

ClinVar aggregate classification (germline): Pathogenic (0 of 4 stars; one submission).

Conditions:
Hereditary factor VIII deficiency disease (HEMA). Also called: AUTOSOMAL HEMOPHILIA A; HEM A; Factor 8 deficiency, congenital; Hemophilia A, congenital; HEMOPHILIA, CLASSIC; Hemophilia A. Identifiers: Orphanet 98878, MedGen C0019069, MONDO:0010602, OMIM 306700.

Submission:

Molecular Genetics and Enzymology, National Research Centre
Classification: Pathogenic for Hereditary factor VIII deficiency disease. Last evaluated: 2015-03-12. Review status: no assertion criteria provided. Collection method: research. Allele origin: maternal. Affected: yes. Observed: 1 variant allele.

NM_000132.4(F8):c.2734_2735del (p.Asn912fs)

Gene: F8 (coagulation factor VIII; minus strand). Cytogenetic location: Xq28.
Variant type: Deletion.
Coding change: c.2734_2735del on transcript NM_000132.4 (MANE Select); coding-DNA positions 2734 to 2735, 2 bases deleted (AA; older notation c.2734_2735delAA).
Protein change: p.Asn912fs; shifts the reading frame from asparagine 912.
Molecular consequence: frameshift variant.
Genome position (GRCh38, 1-based): chrX:154,931,055-154,931,056, TT deleted on the plus strand (AA on the coding strand, the reverse complement: F8 is on the minus strand). VCF-style (leftmost placement, unchanged base first): chrX-154931054-ATT-A. GRCh37 (hg19) VCF-style: chrX-154159329-ATT-A.
Other names: c.2734_2735delAA (NM_000132.3); short protein forms N912fs.
Identifiers: ClinVar variation 369688 (VCV000369688.2), dbSNP rs1557278778, ClinGen allele CA645509241.